The following is an entry in ClinVar:

NC_000007.14:g.117479742G>C

Genes: CFTR (CF transmembrane conductance regulator; plus strand), LOC111674463 (CFTR promoter region; plus strand). Cytogenetic location: 7q31.2.
Variant type: single nucleotide variant.
Genome position: GRCh38 VCF-style: chr7-117479742-G-C. GRCh37 (hg19) VCF-style: chr7-117119796-G-C.
Identifiers: ClinVar variation 3061385 (VCV003061385.2), dbSNP rs2484927022, ClinGen allele CA2740097512.

ClinVar aggregate classification (germline): Likely benign (0 of 4 stars; one submission).

Conditions:
CFTR-related disorder (CFTR-RD). Also called: CFTR-related condition; CFTR-related disorders. Identifiers: MedGen C5924204, MONDO:7770004.

Submission:

PreventionGenetics, part of Exact Sciences
Classification: Likely benign for CFTR-related condition. Last evaluated: 2024-02-07. Review status: no assertion criteria provided. Collection method: clinical testing. Allele origin: germline.
Comment: This variant is classified as likely benign based on ACMG/AMP sequence variant interpretation guidelines (Richards et al. 2015 PMID: 25741868, with internal and published modifications).